The following is an entry in ClinVar:

NM_021625.5(TRPV4):c.2209T>G (p.Trp737Gly)

Gene: TRPV4 (transient receptor potential cation channel subfamily V member 4; minus strand). Cytogenetic location: 12q24.11.
Variant type: single nucleotide variant.
Coding change: c.2209T>G on transcript NM_021625.5 (MANE Select); coding-DNA position 2209, T replaced by G.
Protein change: p.Trp737Gly; replaces tryptophan 737 with glycine.
Molecular consequence: missense variant.
Genome position (GRCh38, 1-based): chr12:109,786,837, A>C on the plus strand (T>G on the coding strand, the complement: TRPV4 is on the minus strand). VCF-style: chr12-109786837-A-C. GRCh37 (hg19) VCF-style: chr12-110224642-A-C.
Other names: c.2068T>G, p.Trp690Gly (NM_001177428.2); c.2107T>G, p.Trp703Gly (NM_001177431.2); c.1888T>G, p.Trp630Gly (NM_001177433.2); c.2029T>G, p.Trp677Gly (NM_147204.3); short protein forms W630G, W703G, W677G, W690G, W737G.
Identifiers: ClinVar variation 2114905 (VCV002114905.6), dbSNP rs1592817499, ClinGen allele CA386649673.
Genomic context (GRCh38, chr12:109,786,837, plus strand): 5'-GGAAGGCCTTCCTCAGGAATACGGGGAAGGAGCGCTCAATGTCCAGGATGGTGGTGGCCC[A>C]CTGCGGGGAGGGAGGGTCAGGAGGGACATCGGTGAGCCTCACAGCCTGCGCCTGCCGCTC-3'
Protein context (NP_067638.3, residues 727-747): KESKHIWKLQ[Trp737Gly]ATTILDIERS

ClinVar aggregate classification (germline): Conflicting classifications of pathogenicity. Review status: criteria provided, conflicting classifications (1 of 4 stars). 2 submissions from 2 submitters: Likely pathogenic (1); Uncertain significance (1). Last evaluated 2025-08-14.

Conditions:
Charcot-Marie-Tooth disease axonal type 2C (HMSN2C). Also called: Charcot-Marie-Tooth Disease Type 2, TRPV4-Related (CMT2C); CHARCOT-MARIE-TOOTH DISEASE, AXONAL, AUTOSOMAL DOMINANT, TYPE 2C; Charcot-Marie-Tooth Neuropathy Type 2C. Identifiers: Orphanet 99937, MedGen C1853710, MONDO:0011633, OMIM 606071.

Submissions (2):

GeneDx
Classification: Likely pathogenic. Last evaluated: 2025-08-14. Review status: criteria provided, single submitter. Criteria: GeneDx Variant Classification Process June 2021. Collection method: clinical testing. Allele origin: germline.
Comment: Not observed at significant frequency in large population cohorts (gnomAD); In silico analysis supports that this missense variant has a deleterious effect on protein structure/function; Has not been previously published as pathogenic or benign to our knowledge

Labcorp Genetics (formerly Invitae), Labcorp
Classification: Uncertain significance for Charcot-Marie-Tooth disease axonal type 2C. Last evaluated: 2024-04-29. Review status: criteria provided, single submitter. Criteria: Invitae Variant Classification Sherloc (09022015). Collection method: clinical testing. Allele origin: germline.
Comment: This sequence change replaces tryptophan, which is neutral and slightly polar, with glycine, which is neutral and non-polar, at codon 737 of the TRPV4 protein (p.Trp737Gly). This variant is not present in population databases (gnomAD no frequency). This variant has not been reported in the literature in individuals affected with TRPV4-related conditions. ClinVar contains an entry for this variant (Variation ID: 2114905). An algorithm developed to predict the effect of missense changes on protein structure and function (PolyPhen-2) suggests that this variant is likely to be disruptive. In summary, the available evidence is currently insufficient to determine the role of this variant in disease. Therefore, it has been classified as a Variant of Uncertain Significance.